The following is an entry in ClinVar:

ClinVar aggregate classification (germline): Uncertain significance (1 of 4 stars; one submission).

Allele frequency attached by ClinVar (database versions not stated): TOPMed 0.00002; ExAC 0.00003; gnomAD exomes 0.00001 and 0.00002.
gnomAD v4.1: 9 of 1,606,950 alleles (0.00056%); highest among the groups gnomAD compares: Admixed American, 0.012%; no homozygotes.

Submission:

Labcorp Genetics (formerly Invitae), Labcorp
Classification: Uncertain significance. Last evaluated: 2023-07-07. Review status: criteria provided, single submitter. Criteria: Invitae Variant Classification Sherloc (09022015). Collection method: clinical testing. Allele origin: germline.
Comment: In summary, the available evidence is currently insufficient to determine the role of this variant in disease. Therefore, it has been classified as a Variant of Uncertain Significance. An algorithm developed to predict the effect of missense changes on protein structure and function (PolyPhen-2) suggests that this variant is likely to be disruptive. ClinVar contains an entry for this variant (Variation ID: 1374897). This variant has not been reported in the literature in individuals affected with CEP135-related conditions. This variant is present in population databases (rs753628355, gnomAD 0.02%). This sequence change replaces alanine, which is neutral and non-polar, with valine, which is neutral and non-polar, at codon 57 of the CEP135 protein (p.Ala57Val).

NM_025009.5(CEP135):c.170C>T (p.Ala57Val)

Gene: CEP135 (centrosomal protein 135; plus strand). Cytogenetic location: 4q12.
Variant type: single nucleotide variant.
Coding change: c.170C>T on transcript NM_025009.5 (MANE Select); coding-DNA position 170, C replaced by T.
Protein change: p.Ala57Val; replaces alanine 57 with valine.
Molecular consequence: missense variant.
Genome position (GRCh38, 1-based): chr4:55,953,141, C>T. VCF-style: chr4-55953141-C-T. GRCh37 (hg19) VCF-style: chr4-56819307-C-T.
Other names: short protein forms A57V.
Identifiers: ClinVar variation 1374897 (VCV001374897.4), dbSNP rs753628355, ClinGen allele CA2927480.